The following is an entry in ClinVar:

ClinVar aggregate classification (germline): Conflicting classifications of pathogenicity. Review status: criteria provided, conflicting classifications (1 of 4 stars). 2 submissions from 2 submitters: Uncertain significance (1); Likely benign (1). Last evaluated 2024-09-10.

Conditions:
Familial thoracic aortic aneurysm and aortic dissection (TAAD). Also called: Thoracic aortic aneurysms and dissections. Identifiers: Orphanet 91387, MedGen C4707243, MONDO:0019625.
Ehlers-Danlos syndrome, kyphoscoliotic type 1 (EDSKSCL1). Also called: PLOD1-Related Kyphoscoliotic Ehlers-Danlos Syndrome; EHLERS-DANLOS SYNDROME, TYPE VIA; EHLERS-DANLOS SYNDROME, OCULAR-SCOLIOTIC TYPE; Ehlers-Danlos syndrome, hydroxylysine-deficient. Identifiers: Orphanet 1900, MedGen C0268342, MONDO:0016002, OMIM 225400. Disease mechanism: loss of function.

Allele frequency attached by ClinVar (database versions not stated): gnomAD exomes below 0.00001.
gnomAD v4.1: 3 of 1,613,846 alleles (0.00019%); highest among the groups gnomAD compares: Non-Finnish European, 0.00025%; no homozygotes.

Submissions (2):

Ambry Genetics
Classification: Likely benign for Familial thoracic aortic aneurysm and aortic dissection. Last evaluated: 2024-09-10. Review status: criteria provided, single submitter. Criteria: Ambry Variant Classification Scheme 2023. Collection method: clinical testing. Allele origin: germline.

Labcorp Genetics (formerly Invitae), Labcorp
Classification: Uncertain significance for Ehlers-Danlos syndrome, kyphoscoliotic type 1. Last evaluated: 2022-03-12. Review status: criteria provided, single submitter. Criteria: Invitae Variant Classification Sherloc (09022015). Collection method: clinical testing. Allele origin: germline.
Comment: In summary, the available evidence is currently insufficient to determine the role of this variant in disease. Therefore, it has been classified as a Variant of Uncertain Significance. This sequence change replaces histidine, which is basic and polar, with arginine, which is basic and polar, at codon 225 of the PLOD1 protein (p.His225Arg). This variant is present in population databases (no rsID available, gnomAD 0.0009%). This variant has not been reported in the literature in individuals affected with PLOD1-related conditions. ClinVar contains an entry for this variant (Variation ID: 651576). Algorithms developed to predict the effect of missense changes on protein structure and function (SIFT, PolyPhen-2, Align-GVGD) all suggest that this variant is likely to be tolerated.

NM_000302.4(PLOD1):c.674A>G (p.His225Arg)

Gene: PLOD1 (procollagen-lysine,2-oxoglutarate 5-dioxygenase 1; plus strand). Cytogenetic location: 1p36.22.
Variant type: single nucleotide variant.
Coding change: c.674A>G on transcript NM_000302.4 (MANE Select); coding-DNA position 674, A replaced by G.
Protein change: p.His225Arg; replaces histidine 225 with arginine.
Molecular consequence: missense variant.
Genome position (GRCh38, 1-based): chr1:11,956,947, A>G. VCF-style: chr1-11956947-A-G. GRCh37 (hg19) VCF-style: chr1-12017004-A-G.
Other names: c.815A>G, p.His272Arg (NM_001316320.2); short protein forms H272R, H225R.
Identifiers: ClinVar variation 651576 (VCV000651576.11), dbSNP rs1176136454, ClinGen allele CA338430942.